The following is an entry in ClinVar:

ClinVar aggregate classification (germline): Benign. Review status: criteria provided, single submitter (1 of 4 stars). 2 submissions from 2 submitters: Benign (1). 1 of the submissions does not count toward it. Last evaluated 2026-01-27.

Conditions:
HCFC1-related disorder. Also called: HCFC1-related condition.
Methylmalonic acidemia with homocystinuria, type cblX (MAHCX). Also called: INTELLECTUAL DEVELOPMENTAL DISORDER, X-LINKED 3. Identifiers: Orphanet 369962, MedGen C0796208, MONDO:0010657, OMIM 309541.

Allele frequency attached by ClinVar (database versions not stated): ExAC 0.00008; gnomAD exomes 0.00009 and 0.00027; TOPMed 0.00009; gnomAD 0.00012 and 0.00013; ESP Exome Variant Server 0.00019.
gnomAD v4.1: 302 of 1,210,290 alleles (0.025%); highest among the groups gnomAD compares: Non-Finnish European, 0.032%; no homozygotes.

Submissions (2):

Labcorp Genetics (formerly Invitae), Labcorp
Classification: Benign for Methylmalonic acidemia with homocystinuria, type cblX. Last evaluated: 2026-01-27. Review status: criteria provided, single submitter. Criteria: Invitae Variant Classification Sherloc (09022015). Collection method: clinical testing. Allele origin: germline.

PreventionGenetics, part of Exact Sciences
Classification: Likely benign for HCFC1-related condition. Last evaluated: 2019-07-02. Review status: no assertion criteria provided. Collection method: clinical testing. Allele origin: germline. Not counted in ClinVar's aggregate classification.
Comment: This variant is classified as likely benign based on ACMG/AMP sequence variant interpretation guidelines (Richards et al. 2015 PMID: 25741868, with internal and published modifications).

NM_005334.3(HCFC1):c.3987C>T (p.Thr1329=)

Gene: HCFC1 (host cell factor C1; minus strand). Cytogenetic location: Xq28.
Variant type: single nucleotide variant.
Coding change: c.3987C>T on transcript NM_005334.3 (MANE Select); coding-DNA position 3987, C replaced by T.
Protein change: p.Thr1329=; no amino-acid change (threonine 1329 retained).
Molecular consequence: synonymous variant.
Genome position (GRCh38, 1-based): chrX:153,954,412, G>A on the plus strand (C>T on the coding strand, the complement: HCFC1 is on the minus strand). VCF-style: chrX-153954412-G-A. GRCh37 (hg19) VCF-style: chrX-153219863-G-A.
Other names: c.3987C>T (NM_005334.2).
Identifiers: ClinVar variation 1624708 (VCV001624708.10), dbSNP rs370113081, ClinGen allele CA10557096.
Genomic context (GRCh38, chrX:153,954,412, plus strand): 5'-CTGCCCACCCTCGGGCTGGCCCGTGCCCCCGTTTGAAGTAGCGGTGGTGGCCGTGTGGGT[G>A]GTGCCCGTCTCGTGGGTCTCGCATGGCGGGTTGGAGCACACCCTCTGGGCGCTGCCTGCA-3'
Protein context (NP_005325.2, residues 1319-1339): NPPCETHETG[Thr1329=]THTATTATSN